The following is an entry in ClinVar:

NM_000059.4(BRCA2):c.285A>C (p.Val95=)

Gene: BRCA2 (BRCA2 DNA repair associated; plus strand). Cytogenetic location: 13q13.1.
Variant type: single nucleotide variant.
Coding change: c.285A>C on transcript NM_000059.4 (MANE Select); coding-DNA position 285, A replaced by C.
Protein change: p.Val95=; no amino-acid change (valine 95 retained).
Molecular consequence: synonymous variant.
Genome position (GRCh38, 1-based): chr13:32,319,294, A>C. VCF-style: chr13-32319294-A-C. GRCh37 (hg19) VCF-style: chr13-32893431-A-C.
Identifiers: ClinVar variation 380380 (VCV000380380.16), dbSNP rs1057520842, ClinGen allele CA16607455.
Genomic context (GRCh38, chr13:32,319,294, plus strand): 5'-TTCAACTCCAATAATATTCAAAGAGCAAGGGCTGACTCTGCCGCTGTACCAATCTCCTGT[A>C]AAAGAATTAGATAAATTCAAATTAGACTTAGGTAAGTAATGCAATATGGTAGACTGGGGA-3'
Protein context (NP_000050.3, residues 85-105): GLTLPLYQSP[Val95=]KELDKFKLDL

ClinVar aggregate classification (germline): Likely benign. Review status: criteria provided, multiple submitters, no conflicts (2 of 4 stars). 6 submissions from 6 submitters: Likely benign (6). Last evaluated 2025-06-09.

Conditions:
Hereditary cancer-predisposing syndrome. Also called: Tumor predisposition; Hereditary neoplastic syndrome; Neoplastic Syndromes, Hereditary; Hereditary Cancer Syndrome. Identifiers: Orphanet 140162, MedGen C0027672, MeSH D009386, MONDO:0015356.
Hereditary breast ovarian cancer syndrome. Also called: Hereditary breast and/or ovarian cancer syndrome; Hereditary breast and ovarian cancer syndrome; Hereditary breast and ovarian cancer syndrome (HBOC); Hereditary breast and ovarian cancer; BRCA1- and BRCA2-Associated Hereditary Breast and Ovarian Cancer; Breast and ovarian cancer. Identifiers: Orphanet 145, MedGen C0677776, MeSH D061325, MONDO:0003582. Disease mechanism: loss of function.

Allele frequency attached by ClinVar (database versions not stated): gnomAD 0.00001; gnomAD exomes 0.00001; TOPMed 0.00001.

Submissions (6):

Women's Health and Genetics/Laboratory Corporation of America, LabCorp
Classification: Likely benign. Last evaluated: 2025-06-09. Review status: criteria provided, single submitter. Criteria: LabCorp Variant Classification Summary - May 2015. Collection method: clinical testing. Allele origin: germline.

Labcorp Genetics (formerly Invitae), Labcorp
Classification: Likely benign for Hereditary breast ovarian cancer syndrome. Last evaluated: 2025-04-18. Review status: criteria provided, single submitter. Criteria: Invitae Variant Classification Sherloc (09022015). Collection method: clinical testing. Allele origin: germline.

Quest Diagnostics Nichols Institute San Juan Capistrano
Classification: Likely benign. Last evaluated: 2021-06-30. Review status: criteria provided, single submitter. Criteria: Quest Diagnostics criteria. Collection method: clinical testing. Allele origin: unknown.

Ambry Genetics
Classification: Likely benign for Hereditary cancer-predisposing syndrome. Last evaluated: 2021-02-20. Review status: criteria provided, single submitter. Criteria: Ambry Variant Classification Scheme 2023. Collection method: clinical testing. Allele origin: germline.

Color Diagnostics, LLC DBA Color Health
Classification: Likely benign for Hereditary cancer-predisposing syndrome. Last evaluated: 2018-11-30. Review status: criteria provided, single submitter. Criteria: ACMG Guidelines, 2015. Collection method: clinical testing. Allele origin: germline.

GeneDx
Classification: Likely benign. Last evaluated: 2015-10-31. Review status: criteria provided, single submitter. Criteria: GeneDx Variant Classification (06012015). Collection method: clinical testing. Allele origin: germline. Affected: yes.
Comment: This variant is considered likely benign or benign based on one or more of the following criteria: it is a conservative change, it occurs at a poorly conserved position in the protein, it is predicted to be benign by multiple in silico algorithms, and/or has population frequency not consistent with disease.